The following is an entry in ClinVar:

NM_001370466.1(NOD2):c.1822C>T (p.Pro608Ser)

Gene: NOD2 (nucleotide binding oligomerization domain containing 2; plus strand). Cytogenetic location: 16q12.1.
Variant type: single nucleotide variant.
Coding change: c.1822C>T on transcript NM_001370466.1 (MANE Select); coding-DNA position 1822, C replaced by T.
Protein change: p.Pro608Ser; replaces proline 608 with serine.
Molecular consequence: missense variant. On other transcripts: non-coding transcript variant (1).
Genome position (GRCh38, 1-based): chr16:50,711,814, C>T. VCF-style: chr16-50711814-C-T. GRCh37 (hg19) VCF-style: chr16-50745725-C-T.
Other names: c.1822C>T, p.Pro608Ser (NM_001293557.2); c.1903C>T, p.Pro635Ser (NM_022162.3); short protein forms P608S, P635S.
Identifiers: ClinVar variation 1942675 (VCV001942675.5), dbSNP rs1004387511, ClinGen allele CA281263425.

ClinVar aggregate classification (germline): Uncertain significance (1 of 4 stars; one submission).

Conditions:
Blau syndrome (BLAUS). Also called: JABS SYNDROME; ARTHROCUTANEOUVEAL GRANULOMATOSIS; GRANULOMATOSIS, FAMILIAL JUVENILE SYSTEMIC; GRANULOMATOSIS, FAMILIAL, BLAU TYPE; GRANULOMATOUS INFLAMMATORY ARTHRITIS, DERMATITIS, AND UVEITIS, FAMILIAL. Identifiers: Orphanet 90340, MedGen C5201146, MONDO:0008523, OMIM 186580.
Regional enteritis. Also called: Enteritis, Granulomatous. Identifiers: MedGen C0678202, MeSH D003424.

Allele frequency attached by ClinVar (database versions not stated): TOPMed 0.00001; gnomAD 0.00003.
gnomAD v4.1: 4 of 1,613,718 alleles (0.00025%); highest among the groups gnomAD compares: African/African-American, 0.0053%; no homozygotes.

Submission:

Labcorp Genetics (formerly Invitae), Labcorp
Classification: Uncertain significance for Regional enteritis; Blau syndrome. Last evaluated: 2022-07-26. Review status: criteria provided, single submitter. Criteria: Invitae Variant Classification Sherloc (09022015). Collection method: clinical testing. Allele origin: germline.
Comment: In summary, the available evidence is currently insufficient to determine the role of this variant in disease. Therefore, it has been classified as a Variant of Uncertain Significance. Advanced modeling of protein sequence and biophysical properties (such as structural, functional, and spatial information, amino acid conservation, physicochemical variation, residue mobility, and thermodynamic stability) performed at Invitae indicates that this missense variant is not expected to disrupt NOD2 protein function. This variant has not been reported in the literature in individuals affected with NOD2-related conditions. This variant is present in population databases (no rsID available, gnomAD 0.01%). This sequence change replaces proline, which is neutral and non-polar, with serine, which is neutral and polar, at codon 635 of the NOD2 protein (p.Pro635Ser).